The following is an entry in ClinVar:

NM_015272.5(RPGRIP1L):c.2467_2468delinsTT (p.Ala823Leu)

Gene: RPGRIP1L (RPGRIP1 like; minus strand). Cytogenetic location: 16q12.2.
Variant type: Indel.
Coding change: c.2467_2468delinsTT on transcript NM_015272.5 (MANE Select); coding-DNA positions 2467 to 2468, GC replaced by TT.
Protein change: p.Ala823Leu; replaces alanine 823 with leucine.
Molecular consequence: missense variant.
Genome position (GRCh38, 1-based): chr16:53,645,840-53,645,841, GC replaced by AA on the plus strand (GC replaced by TT on the coding strand, the reverse complement: RPGRIP1L is on the minus strand). VCF-style: chr16-53645840-GC-AA. GRCh37 (hg19) VCF-style: chr16-53679752-GC-AA.
Other names: c.2467_2468delinsTT, p.Ala823Leu (NM_001127897.4, NM_001308334.3, NM_001330538.2); short protein forms A823L.
Identifiers: ClinVar variation 1304261 (VCV001304261.6), dbSNP rs2151082906, ClinGen allele CA2573054237.

ClinVar aggregate classification (germline): Uncertain significance. Review status: criteria provided, multiple submitters, no conflicts (2 of 4 stars). 3 submissions from 3 submitters: Uncertain significance (3). Last evaluated 2025-09-15.

Conditions:
Meckel syndrome, type 5 (MKS5). Identifiers: Orphanet 564, MedGen C1969052, MONDO:0012695, OMIM 611561.
Joubert syndrome 7 (JBTS7). Identifiers: Orphanet 220497, MedGen C1969053, MONDO:0012694, OMIM 611560.
COACH syndrome 3. Identifiers: MedGen C5436841, MONDO:0030862, OMIM 619113.
Joubert syndrome. Also called: CEREBELLOPARENCHYMAL DISORDER IV; JOUBERT-BOLTSHAUSER SYNDROME; Familial aplasia of the vermis. Identifiers: Orphanet 475, MedGen C5979921, MONDO:0018772.
Meckel-Gruber syndrome. Also called: DYSENCEPHALIA SPLANCHNOCYSTICA; GRUBER SYNDROME; Dysencephalia splachnocystica. Identifiers: Orphanet 564, MedGen C0265215, MONDO:0018921.

Submissions (3):

Labcorp Genetics (formerly Invitae), Labcorp
Classification: Uncertain significance for Joubert syndrome; Meckel-Gruber syndrome. Last evaluated: 2025-09-15. Review status: criteria provided, single submitter. Criteria: Invitae Variant Classification Sherloc (09022015). Collection method: clinical testing. Allele origin: germline.
Comment: This sequence change replaces alanine, which is neutral and non-polar, with leucine, which is neutral and non-polar, at codon 823 of the RPGRIP1L protein (p.Ala823Leu). This variant is present in population databases (no rsID available, gnomAD 0.0008%). This variant has not been reported in the literature in individuals affected with RPGRIP1L-related conditions. ClinVar contains an entry for this variant (Variation ID: 1304261). An algorithm developed to predict the effect of missense changes on protein structure and function (PolyPhen-2) suggests that this variant is likely to be disruptive. In summary, the available evidence is currently insufficient to determine the role of this variant in disease. Therefore, it has been classified as a Variant of Uncertain Significance.

GeneDx
Classification: Uncertain significance. Last evaluated: 2024-05-26. Review status: criteria provided, single submitter. Criteria: GeneDx Variant Classification Process June 2021. Collection method: clinical testing. Allele origin: germline. Affected: yes.
Comment: Not observed at significant frequency in large population cohorts (gnomAD); In silico analysis supports a deleterious effect on protein structure/function; Has not been previously published as pathogenic or benign to our knowledge

Fulgent Genetics
Classification: Uncertain significance for Joubert syndrome 7; Meckel syndrome, type 5; COACH syndrome 3. Last evaluated: 2022-04-25. Review status: criteria provided, single submitter. Criteria: ACMG Guidelines, 2015. Collection method: clinical testing. Allele origin: unknown.